The following is an entry in ClinVar:

NM_001943.5(DSG2):c.1964A>T (p.His655Leu)

Gene: DSG2 (desmoglein 2; plus strand). Cytogenetic location: 18q12.1.
Variant type: single nucleotide variant.
Coding change: c.1964A>T on transcript NM_001943.5 (MANE Select); coding-DNA position 1964, A replaced by T.
Protein change: p.His655Leu; replaces histidine 655 with leucine.
Molecular consequence: missense variant.
Genome position (GRCh38, 1-based): chr18:31,541,277, A>T. VCF-style: chr18-31541277-A-T. GRCh37 (hg19) VCF-style: chr18-29121240-A-T.
Other names: short protein forms H655L.
Identifiers: ClinVar variation 1783491 (VCV001783491.10), dbSNP rs2510920010, ClinGen allele CA402139722.

ClinVar aggregate classification (germline): Uncertain significance. Review status: criteria provided, multiple submitters, no conflicts (2 of 4 stars). 3 submissions from 3 submitters: Uncertain significance (3). Last evaluated 2025-09-10.

Conditions:
Cardiovascular phenotype. Identifiers: MedGen CN230736.
Arrhythmogenic right ventricular dysplasia 10. Also called: Arrhythmogenic Right Ventricular Dysplasia/Cardiomyopathy10; ARRHYTHMOGENIC RIGHT VENTRICULAR DYSPLASIA, FAMILIAL, 10; Arrhythmogenic right ventricular dysplasia/cardiomyopathy, type 10. Identifiers: MedGen C1857777, MONDO:0012434, OMIM 610193.
Arrhythmogenic right ventricular cardiomyopathy (ARVD). Also called: Cardiomyopathy, ARVC; Arrhythmogenic right ventricular dysplasia; Arrhythmogenic cardiomyopathy; Arrhythmogenic Right Ventricular Cardiomyopathy (ARVC). Identifiers: Orphanet 247, MedGen C0349788, MeSH D019571, MONDO:0016587. Disease mechanism: loss of function. Inheritance: Various modes of inheritance.

gnomAD v4.1: 1 of 1,614,132 alleles (0.000062%); highest among the groups gnomAD compares: Non-Finnish European, 0.000085%; no homozygotes.

Submissions (3):

Labcorp Genetics (formerly Invitae), Labcorp
Classification: Uncertain significance for Arrhythmogenic right ventricular dysplasia 10. Last evaluated: 2025-09-10. Review status: criteria provided, single submitter. Criteria: Invitae Variant Classification Sherloc (09022015). Collection method: clinical testing. Allele origin: germline.
Comment: This sequence change replaces histidine, which is basic and polar, with leucine, which is neutral and non-polar, at codon 655 of the DSG2 protein (p.His655Leu). This variant is not present in population databases (gnomAD no frequency). This variant has not been reported in the literature in individuals affected with DSG2-related conditions. ClinVar contains an entry for this variant (Variation ID: 1783491). Invitae Evidence Modeling of protein sequence and biophysical properties (such as structural, functional, and spatial information, amino acid conservation, physicochemical variation, residue mobility, and thermodynamic stability) indicates that this missense variant is not expected to disrupt DSG2 protein function with a negative predictive value of 95%. In summary, the available evidence is currently insufficient to determine the role of this variant in disease. Therefore, it has been classified as a Variant of Uncertain Significance.

Ambry Genetics
Classification: Uncertain significance for Cardiovascular phenotype. Last evaluated: 2025-05-07. Review status: criteria provided, single submitter. Criteria: Ambry Variant Classification Scheme 2023. Collection method: clinical testing. Allele origin: germline.

All of Us Research Program, National Institutes of Health
Classification: Uncertain significance for Arrhythmogenic right ventricular cardiomyopathy. Last evaluated: 2024-04-16. Review status: criteria provided, single submitter. Criteria: ACMG Guidelines, 2015. Collection method: clinical testing. Allele origin: germline. Inheritance: Autosomal dominant inheritance. Observed: 3 variant alleles, 3 heterozygotes.
Comment: This missense variant replaces histidine with leucine at codon 655 of the DSG2 protein. Computational prediction suggests that this variant may not impact protein structure and function (internally defined REVEL score threshold <= 0.5, PMID: 27666373). To our knowledge, functional studies have not been reported for this variant. This variant has not been reported in individuals affected with cardiovascular disorders in the literature. This variant has not been identified in the general population by the Genome Aggregation Database (gnomAD). The available evidence is insufficient to determine the role of this variant in disease conclusively. Therefore, this variant is classified as a Variant of Uncertain Significance.

This study involves interpretation of variants in research participants for the purpose of population health screening. Participant phenotype was not available at the time of variant classification. Additional details can be found in publication PMID: 35346344, PMCID: PMC8962531